The following is an entry in ClinVar:

NM_015046.7(SETX):c.2392C>A (p.Gln798Lys)

Gene: SETX (senataxin; minus strand). Cytogenetic location: 9q34.13.
Variant type: single nucleotide variant.
Coding change: c.2392C>A on transcript NM_015046.7 (MANE Select); coding-DNA position 2392, C replaced by A.
Protein change: p.Gln798Lys; replaces glutamine 798 with lysine.
Molecular consequence: missense variant.
Genome position (GRCh38, 1-based): chr9:132,329,206, G>T on the plus strand (C>A on the coding strand, the complement: SETX is on the minus strand). VCF-style: chr9-132329206-G-T. GRCh37 (hg19) VCF-style: chr9-135204593-G-T.
Other names: c.2392C>A, p.Gln798Lys (NM_001351527.2, NM_001351528.2); short protein forms Q798K.
Identifiers: ClinVar variation 1790577 (VCV001790577.2), dbSNP rs760085180, ClinGen allele CA375336127.

ClinVar aggregate classification (germline): Uncertain significance (1 of 4 stars; one submission).

Conditions:
Inborn genetic diseases. Identifiers: MedGen C0950123, MeSH D030342.

Submission:

Ambry Genetics
Classification: Uncertain significance for Inborn genetic diseases. Last evaluated: 2021-03-04. Review status: criteria provided, single submitter. Criteria: Ambry Variant Classification Scheme 2023. Collection method: clinical testing. Allele origin: germline.
Comment: The p.Q798K variant (also known as c.2392C>A), located in coding exon 8 of the SETX gene, results from a C to A substitution at nucleotide position 2392. The glutamine at codon 798 is replaced by lysine, an amino acid with similar properties. This amino acid position is well conserved in available vertebrate species. In addition, this alteration is predicted to be tolerated by in silico analysis. Since supporting evidence is limited at this time, the clinical significance of this alteration remains unclear.